The following is an entry in ClinVar:

ClinVar aggregate classification (germline): Uncertain significance. Review status: criteria provided, multiple submitters, no conflicts (2 of 4 stars). 2 submissions from 2 submitters: Uncertain significance (2). Last evaluated 2024-02-05.

Conditions:
Inborn genetic diseases. Identifiers: MedGen C0950123, MeSH D030342.

Allele frequency attached by ClinVar (database versions not stated): gnomAD 0.00003.
gnomAD v4.1: 52 of 1,305,306 alleles (0.004%); highest among the groups gnomAD compares: Non-Finnish European, 0.0044%; no homozygotes.

Submissions (2):

Ambry Genetics
Classification: Uncertain significance for Inborn genetic diseases. Last evaluated: 2024-02-05. Review status: criteria provided, single submitter. Criteria: Ambry Variant Classification Scheme 2023. Collection method: clinical testing. Allele origin: germline.

Labcorp Genetics (formerly Invitae), Labcorp
Classification: Uncertain significance. Last evaluated: 2022-09-01. Review status: criteria provided, single submitter. Criteria: Invitae Variant Classification Sherloc (09022015). Collection method: clinical testing. Allele origin: germline.
Comment: This sequence change replaces alanine, which is neutral and non-polar, with valine, which is neutral and non-polar, at codon 5 of the COQ9 protein (p.Ala5Val). The frequency data for this variant in the population databases is considered unreliable, as metrics indicate poor data quality at this position in the gnomAD database. This variant has not been reported in the literature in individuals affected with COQ9-related conditions. Algorithms developed to predict the effect of missense changes on protein structure and function output the following: SIFT: "Tolerated"; PolyPhen-2: "Not Available"; Align-GVGD: "Class C0". The valine amino acid residue is found in multiple mammalian species, which suggests that this missense change does not adversely affect protein function. In summary, the available evidence is currently insufficient to determine the role of this variant in disease. Therefore, it has been classified as a Variant of Uncertain Significance.

NM_020312.4(COQ9):c.14C>T (p.Ala5Val)

Genes: COQ9 (coenzyme Q9; plus strand), LOC112469007 (Sharpr-MPRA regulatory region 5957; plus strand). Cytogenetic location: 16q21.
Variant type: single nucleotide variant.
Coding change: c.14C>T on transcript NM_020312.4 (MANE Select); coding-DNA position 14, C replaced by T.
Protein change: p.Ala5Val; replaces alanine 5 with valine.
Molecular consequence: missense variant.
Genome position (GRCh38, 1-based): chr16:57,447,519, C>T. VCF-style: chr16-57447519-C-T. GRCh37 (hg19) VCF-style: chr16-57481431-C-T.
Other names: short protein forms A5V.
Identifiers: ClinVar variation 1910046 (VCV001910046.3), dbSNP rs866898130, ClinGen allele CA281546669.
Genomic context (GRCh38, chr16:57,447,519, plus strand): 5'-CCGTAGCTACCGGTCGCGTCGCCGTGGGCGACGTGCCCGCTTCCAAAATGGCGGCGGCGG[C>T]GGTATCTGGTGCGCTTGGCCGGGCGGGCTGGAGGCTCCTGCAGCTGCGATGCCTGCCCGG-3'
Protein context (NP_064708.1, residues 1-15): MAAA[Ala5Val]VSGALGRAGW